The following is an entry in ClinVar:

NM_000213.5(ITGB4):c.4828C>T (p.Arg1610Ter)

Genes: GALK1 (galactokinase 1; minus strand), ITGB4 (integrin subunit beta 4; plus strand). Cytogenetic location: 17q25.1.
Variant type: single nucleotide variant.
Coding change: c.4828C>T on transcript NM_000213.5 (MANE Select); coding-DNA position 4828, C replaced by T.
Protein change: p.Arg1610Ter; replaces arginine 1610 with a stop codon.
Molecular consequence: nonsense. On other transcripts: intron variant (1).
Genome position (GRCh38, 1-based): chr17:75,756,548, C>T. VCF-style: chr17-75756548-C-T. GRCh37 (hg19) VCF-style: chr17-73752629-C-T.
Other names: c.4777C>T, p.Arg1593Ter (NM_001005619.2); c.4618C>T, p.Arg1540Ter (NM_001005731.3, NM_001321123.2); c.4468C>T, p.Arg1490Ter (NM_001438834.1); c.*22+1486G>A (NM_001381985.1); short protein forms R1540*, R1593*, R1610*, R1490*.
Identifiers: ClinVar variation 2736653 (VCV002736653.3), dbSNP rs766505643, ClinGen allele CA8770330.

ClinVar aggregate classification (germline): Pathogenic (1 of 4 stars; one submission).

Allele frequency attached by ClinVar (database versions not stated): ExAC 0.00002; gnomAD 0.00001.
gnomAD v4.1: 13 of 1,613,118 alleles (0.00081%); highest among the groups gnomAD compares: East Asian, 0.0067%; no homozygotes.

Submission:

Labcorp Genetics (formerly Invitae), Labcorp
Classification: Pathogenic. Last evaluated: 2023-07-10. Review status: criteria provided, single submitter. Criteria: Invitae Variant Classification Sherloc (09022015). Collection method: clinical testing. Allele origin: germline.
Comment: This sequence change creates a premature translational stop signal (p.Arg1540*) in the ITGB4 gene. It is expected to result in an absent or disrupted protein product. Loss-of-function variants in ITGB4 are known to be pathogenic (PMID: 11328943, 16473856). This variant is present in population databases (rs766505643, gnomAD 0.01%). This premature translational stop signal has been observed in individual(s) with epidermolysis bullosa with pyloric atresia (PMID: 18563182). For these reasons, this variant has been classified as Pathogenic.

Literature cited by the submitters: PubMed 11328943; PubMed 16473856; PubMed 18563182.